The following is an entry in ClinVar:

NM_005744.5(ARIH1):c.517C>T (p.Arg173Cys)

Gene: ARIH1 (ariadne RBR E3 ubiquitin protein ligase 1; plus strand). Cytogenetic location: 15q24.1.
Variant type: single nucleotide variant.
Coding change: c.517C>T on transcript NM_005744.5 (MANE Select); coding-DNA position 517, C replaced by T.
Protein change: p.Arg173Cys; replaces arginine 173 with cysteine.
Molecular consequence: missense variant.
Genome position (GRCh38, 1-based): chr15:72,544,893, C>T. VCF-style: chr15-72544893-C-T. GRCh37 (hg19) VCF-style: chr15-72837234-C-T.
Other names: c.517C>T (NM_005744.3); short protein forms R173C.
Identifiers: ClinVar variation 1480271 (VCV001480271.7), dbSNP rs148941976, ClinGen allele CA7645518.

ClinVar aggregate classification (germline): Uncertain significance. Review status: criteria provided, multiple submitters, no conflicts (2 of 4 stars). 2 submissions from 2 submitters: Uncertain significance (2). Last evaluated 2026-02-02.

Allele frequency attached by ClinVar (database versions not stated): ExAC 0.00001; gnomAD exomes 0.00001 and 0.00003; 1000 Genomes Project 30x 0.00016; 1000 Genomes Project 0.00020.
gnomAD v4.1: 23 of 1,613,596 alleles (0.0014%); highest among the groups gnomAD compares: Admixed American, 0.005%; no homozygotes.

Submissions (2):

Labcorp Genetics (formerly Invitae), Labcorp
Classification: Uncertain significance. Last evaluated: 2026-02-02. Review status: criteria provided, single submitter. Criteria: Invitae Variant Classification Sherloc (09022015). Collection method: clinical testing. Allele origin: germline.
Comment: This sequence change replaces arginine, which is basic and polar, with cysteine, which is neutral and slightly polar, at codon 173 of the ARIH1 protein (p.Arg173Cys). This variant is present in population databases (rs148941976, gnomAD 0.009%). This variant has not been reported in the literature in individuals affected with ARIH1-related conditions. ClinVar contains an entry for this variant (Variation ID: 1480271). An algorithm developed to predict the effect of missense changes on protein structure and function (PolyPhen-2) suggests that this variant is likely to be tolerated. In summary, the available evidence is currently insufficient to determine the role of this variant in disease. Therefore, it has been classified as a Variant of Uncertain Significance.

Ambry Genetics
Classification: Uncertain significance. Last evaluated: 2025-08-25. Review status: criteria provided, single submitter. Criteria: Ambry Variant Classification Scheme 2023. Collection method: clinical testing. Allele origin: germline.